The following is an entry in ClinVar:

NM_032217.5(ANKRD17):c.1104T>C (p.His368=)

Gene: ANKRD17 (ankyrin repeat domain 17; minus strand). Cytogenetic location: 4q13.3.
Variant type: single nucleotide variant.
Coding change: c.1104T>C on transcript NM_032217.5 (MANE Select); coding-DNA position 1104, T replaced by C.
Protein change: p.His368=; no amino-acid change (histidine 368 retained).
Molecular consequence: synonymous variant.
Genome position (GRCh38, 1-based): chr4:73,154,010, A>G on the plus strand (T>C on the coding strand, the complement: ANKRD17 is on the minus strand). VCF-style: chr4-73154010-A-G. GRCh37 (hg19) VCF-style: chr4-74019727-A-G.
Other names: c.765T>C, p.His255= (NM_001286771.3); c.1104T>C, p.His368= (NM_015574.2, NM_198889.3).
Identifiers: ClinVar variation 5038707 (VCV005038707.1).

ClinVar aggregate classification (germline): Likely benign (1 of 4 stars; one submission).

gnomAD v4.1: 3 of 1,613,720 alleles (0.00019%); highest among the groups gnomAD compares: Admixed American, 0.0033%; no homozygotes.

Submission:

CeGaT Center for Human Genetics Tuebingen
Classification: Likely benign. Last evaluated: 2026-08-01. Review status: criteria provided, single submitter. Criteria: CeGaT Center For Human Genetics Tuebingen Variant Classification Criteria Version 2. Collection method: clinical testing. Allele origin: germline. Affected: yes. Observed: 1 variant allele.
Comment: ANKRD17: BP4, BP7